The following is an entry in ClinVar:

NM_001375524.1(TRRAP):c.7859C>G (p.Ala2620Gly)

Gene: TRRAP (transformation/transcription domain associated protein; plus strand). Cytogenetic location: 7q22.1.
Variant type: single nucleotide variant.
Coding change: c.7859C>G on transcript NM_001375524.1 (MANE Select); coding-DNA position 7859, C replaced by G.
Protein change: p.Ala2620Gly; replaces alanine 2620 with glycine.
Molecular consequence: missense variant.
Genome position (GRCh38, 1-based): chr7:98,976,168, C>G. VCF-style: chr7-98976168-C-G. GRCh37 (hg19) VCF-style: chr7-98573791-C-G.
Other names: c.7838C>G, p.Ala2613Gly (NM_001244580.2); c.7784C>G, p.Ala2595Gly (NM_003496.4); c.7784C>G (NM_003496.3); short protein forms A2595G, A2613G, A2620G.
Identifiers: ClinVar variation 2042864 (VCV002042864.29), dbSNP rs143477790, ClinGen allele CA4361266.
Genomic context (GRCh38, chr7:98,976,168, plus strand): 5'-CAGCCCGTGGCCATCTCAGCCTGTTGTCTTTCTGTTCATAGACTGGAGCGCTGCTCAGCG[C>G]TTTCGTTCAGCTGTGCCACATTTCCACGACGCTGGCAGAGAAGACGTGGGTCCAGCTTTT-3'
Protein context (NP_001362453.1, residues 2610-2630): REVKTGALLS[Ala2620Gly]FVQLCHISTT

ClinVar aggregate classification (germline): Benign. Review status: criteria provided, multiple submitters, no conflicts (2 of 4 stars). 3 submissions from 3 submitters: Benign (2). 1 of the submissions does not count toward it. Last evaluated 2026-01-28.

Conditions:
TRRAP-related disorder. Also called: TRRAP-related condition.

Allele frequency attached by ClinVar (database versions not stated): ExAC 0.00068; gnomAD 0.00195; ESP Exome Variant Server 0.00223; TOPMed 0.00228; 1000 Genomes Project 0.00280; 1000 Genomes Project 30x 0.00297.
gnomAD v4.1: 609 of 1,614,016 alleles (0.038%); highest among the groups gnomAD compares: African/African-American, 0.67%; 1 homozygote.

Submissions (3):

Labcorp Genetics (formerly Invitae), Labcorp
Classification: Benign. Last evaluated: 2026-01-28. Review status: criteria provided, single submitter. Criteria: Invitae Variant Classification Sherloc (09022015). Collection method: clinical testing. Allele origin: germline.

CeGaT Center for Human Genetics Tuebingen
Classification: Benign. Last evaluated: 2023-05-01. Review status: criteria provided, single submitter. Criteria: CeGaT Center For Human Genetics Tuebingen Variant Classification Criteria Version 2. Collection method: clinical testing. Allele origin: germline. Affected: yes. Observed: 1 variant allele.
Comment: TRRAP: BS1, BS2

PreventionGenetics, part of Exact Sciences
Classification: Benign for TRRAP-related condition. Last evaluated: 2019-12-20. Review status: no assertion criteria provided. Collection method: clinical testing. Allele origin: germline. Not counted in ClinVar's aggregate classification.
Comment: This variant is classified as benign based on ACMG/AMP sequence variant interpretation guidelines (Richards et al. 2015 PMID: 25741868, with internal and published modifications).